The following is an entry in ClinVar:

ClinVar aggregate classification (germline): Uncertain significance. Review status: criteria provided, multiple submitters, no conflicts (2 of 4 stars). 3 submissions from 3 submitters: Uncertain significance (3). Last evaluated 2021-08-05.

Conditions:
Hereditary breast ovarian cancer syndrome. Also called: Hereditary breast and ovarian cancer syndrome; Hereditary breast and ovarian cancer; Hereditary breast and ovarian cancer syndrome (HBOC); Breast and ovarian cancer; Hereditary breast and/or ovarian cancer syndrome; BRCA1- and BRCA2-Associated Hereditary Breast and Ovarian Cancer. Identifiers: Orphanet 145, MedGen C0677776, MeSH D061325, MONDO:0003582. Disease mechanism: loss of function.
Hereditary cancer-predisposing syndrome. Also called: Neoplastic Syndromes, Hereditary; Tumor predisposition; Hereditary Cancer Syndrome; Hereditary neoplastic syndrome. Identifiers: Orphanet 140162, MedGen C0027672, MeSH D009386, MONDO:0015356.

Allele frequency attached by ClinVar (database versions not stated): gnomAD exomes below 0.00001; ExAC 0.00001.
gnomAD v4.1: 1 of 1,583,296 alleles (0.000063%); highest among the groups gnomAD compares: South Asian, 0.0011%; no homozygotes.

Submissions (3):

Ambry Genetics
Classification: Uncertain significance for Hereditary cancer-predisposing syndrome. Last evaluated: 2021-08-05. Review status: criteria provided, single submitter. Criteria: Ambry Variant Classification Scheme 2023. Collection method: clinical testing. Allele origin: germline.
Comment: The p.N2299D variant (also known as c.6895A>G), located in coding exon 11 of the BRCA2 gene, results from an A to G substitution at nucleotide position 6895. The asparagine at codon 2299 is replaced by aspartic acid, an amino acid with highly similar properties. This amino acid position is not well conserved in available vertebrate species. In addition, the in silico prediction for this alteration is inconclusive. Since supporting evidence is limited at this time, the clinical significance of this alteration remains unclear.

GeneDx
Classification: Uncertain significance. Last evaluated: 2019-04-18. Review status: criteria provided, single submitter. Criteria: GeneDx Variant Classification Process June 2021. Collection method: clinical testing. Allele origin: germline. Affected: yes.
Comment: Not observed at a significant frequency in large population cohorts (Lek et al., 2016); Has not been previously published as pathogenic or benign to our knowledge

Labcorp Genetics (formerly Invitae), Labcorp
Classification: Uncertain significance for Hereditary breast ovarian cancer syndrome. Last evaluated: 2018-07-26. Review status: criteria provided, single submitter. Criteria: Invitae Variant Classification Sherloc (09022015). Collection method: clinical testing. Allele origin: germline.
Comment: This variant has not been reported in the literature in individuals with BRCA2-related disease. ClinVar contains an entry for this variant (Variation ID: 481535). This sequence change replaces asparagine with aspartic acid at codon 2299 of the BRCA2 protein (p.Asn2299Asp). The asparagine residue is weakly conserved and there is a small physicochemical difference between asparagine and aspartic acid. This variant is present in population databases (rs761695956, ExAC 0.006%). Algorithms developed to predict the effect of missense changes on protein structure and function are either unavailable or do not agree on the potential impact of this missense change (SIFT: "Tolerated"; PolyPhen-2: "Possibly Damaging"; Align-GVGD: "Class C0"). In summary, the available evidence is currently insufficient to determine the role of this variant in disease. Therefore, it has been classified as a Variant of Uncertain Significance.

NM_000059.4(BRCA2):c.6895A>G (p.Asn2299Asp)

Gene: BRCA2 (BRCA2 DNA repair associated; plus strand). Cytogenetic location: 13q13.1.
Variant type: single nucleotide variant.
Coding change: c.6895A>G on transcript NM_000059.4 (MANE Select); coding-DNA position 6895, A replaced by G.
Protein change: p.Asn2299Asp; replaces asparagine 2299 with aspartic acid.
Molecular consequence: missense variant.
Genome position (GRCh38, 1-based): chr13:32,344,611, A>G. VCF-style: chr13-32344611-A-G. GRCh37 (hg19) VCF-style: chr13-32918748-A-G.
Other names: short protein forms N2299D.
Identifiers: ClinVar variation 481535 (VCV000481535.17), dbSNP rs761695956, ClinGen allele CA6941012.